The following is an entry in ClinVar:

NM_001298.3(CNGA3):c.74T>C (p.Leu25Pro)

Gene: CNGA3 (cyclic nucleotide gated channel subunit alpha 3; plus strand). Cytogenetic location: 2q11.2.
Variant type: single nucleotide variant.
Coding change: c.74T>C on transcript NM_001298.3 (MANE Select); coding-DNA position 74, T replaced by C.
Protein change: p.Leu25Pro; replaces leucine 25 with proline.
Molecular consequence: missense variant.
Genome position (GRCh38, 1-based): chr2:98,370,049, T>C. VCF-style: chr2-98370049-T-C. GRCh37 (hg19) VCF-style: chr2-98986512-T-C.
Other names: c.74T>C, p.Leu25Pro (NM_001079878.2); short protein forms L25P.
Identifiers: ClinVar variation 1879481 (VCV001879481.29), dbSNP rs1692251065, ClinGen allele CA347828882.
Genomic context (GRCh38, chr2:98,370,049, plus strand): 5'-ACACCCAATACTCCCACCCCTCCAGGACCCACCTCAAGGTAAAGACCTCAGACCGAGATC[T>C]CAATCGCGCTGAAAATGGCCTCAGCAGGTAAGATGGGCTAAGATGGGCTTTTCATTTTAT-3'
Protein context (NP_001289.1, residues 15-35): HLKVKTSDRD[Leu25Pro]NRAENGLSRA

ClinVar aggregate classification (germline): Uncertain significance (1 of 4 stars; one submission).

Allele frequency attached by ClinVar (database versions not stated): gnomAD exomes 0.00001.
gnomAD v4.1: 11 of 1,613,786 alleles (0.00068%); highest among the groups gnomAD compares: Non-Finnish European, 0.00085%; no homozygotes.

Submission:

CeGaT Center for Human Genetics Tuebingen
Classification: Uncertain significance. Last evaluated: 2022-10-01. Review status: criteria provided, single submitter. Criteria: CeGaT Center For Human Genetics Tuebingen Variant Classification Criteria Version 2. Collection method: clinical testing. Allele origin: germline. Affected: yes. Observed: 1 variant allele.
Comment: CNGA3: PM2